The following is an entry in ClinVar:

ClinVar aggregate classification (germline): Likely benign. Review status: criteria provided, multiple submitters, no conflicts (2 of 4 stars). 3 submissions from 3 submitters: Likely benign (2). 1 of the submissions does not count toward it. Last evaluated 2024-11-19.

Conditions:
NPHP4-related disorder. Also called: NPHP4-related condition; NPHP4-related disorders. Identifiers: MedGen CN239384.
Nephronophthisis. Also called: Juvenile Nephronophthisis. Identifiers: Orphanet 655, MedGen C0687120, MONDO:0019005, HP:0000090.

gnomAD v4.1: 42 of 1,587,294 alleles (0.0026%); highest among the groups gnomAD compares: African/African-American, 0.017%; no homozygotes.

Submissions (3):

Labcorp Genetics (formerly Invitae), Labcorp
Classification: Likely benign for Nephronophthisis. Last evaluated: 2024-11-19. Review status: criteria provided, single submitter. Criteria: Invitae Variant Classification Sherloc (09022015). Collection method: clinical testing. Allele origin: germline.

Blueprint Genetics
Classification: Likely benign. Last evaluated: 2023-12-14. Review status: criteria provided, single submitter. Criteria: ACMG Guidelines, 2015. Collection method: clinical testing. Allele origin: germline.

PreventionGenetics, part of Exact Sciences
Classification: Likely benign for NPHP4-related condition. Last evaluated: 2020-01-02. Review status: no assertion criteria provided. Collection method: clinical testing. Allele origin: germline. Not counted in ClinVar's aggregate classification.
Comment: This variant is classified as likely benign based on ACMG/AMP sequence variant interpretation guidelines (Richards et al. 2015 PMID: 25741868, with internal and published modifications).

NM_015102.5(NPHP4):c.3564C>T (p.Pro1188=)

Gene: NPHP4 (nephrocystin 4; minus strand). Cytogenetic location: 1p36.31.
Variant type: single nucleotide variant.
Coding change: c.3564C>T on transcript NM_015102.5 (MANE Select); coding-DNA position 3564, C replaced by T.
Protein change: p.Pro1188=; no amino-acid change (proline 1188 retained).
Molecular consequence: synonymous variant. On other transcripts: non-coding transcript variant (1).
Genome position (GRCh38, 1-based): chr1:5,866,453, G>A on the plus strand (C>T on the coding strand, the complement: NPHP4 is on the minus strand). VCF-style: chr1-5866453-G-A. GRCh37 (hg19) VCF-style: chr1-5926513-G-A.
Other names: c.2025C>T, p.Pro675= (NM_001291593.2); c.2028C>T, p.Pro676= (NM_001291594.2); c.3564C>T (NM_015102.4).
Identifiers: ClinVar variation 1112111 (VCV001112111.12), dbSNP rs528547815, ClinGen allele CA553543.
Genomic context (GRCh38, chr1:5,866,453, plus strand): 5'-GTCTTTGATCTCCGGGCTTGGACCACTGGCCACCTTCAGAAATATGTCCCGTGGTTCCCC[G>A]GGGCCCTGCCAACCAGATGTGCAGCACATCAGGGCACACAGTGCTCTGCCGACCCCAGCC-3'
Protein context (NP_055917.1, residues 1178-1198): NVICETQNVG[Pro1188=]GEPRDIFLKV